The following is an entry in ClinVar:

ClinVar aggregate classification (germline): Conflicting classifications of pathogenicity. Review status: criteria provided, conflicting classifications (1 of 4 stars). 2 submissions from 2 submitters: Likely pathogenic (1); Likely benign (1). Last evaluated 2023-04-28.

Conditions:
Hereditary breast ovarian cancer syndrome. Also called: Hereditary breast and ovarian cancer syndrome; Hereditary breast and ovarian cancer syndrome (HBOC); BRCA1- and BRCA2-Associated Hereditary Breast and Ovarian Cancer; Breast and ovarian cancer; Hereditary breast and ovarian cancer; Hereditary breast and/or ovarian cancer syndrome. Identifiers: Orphanet 145, MedGen C0677776, MeSH D061325, MONDO:0003582. Disease mechanism: loss of function.
Breast-ovarian cancer, familial, susceptibility to, 1 (BROVCA1). Also called: OVARIAN CANCER, SUSCEPTIBILITY TO; BRCA1 Hereditary Breast and Ovarian Cancer. Identifiers: Orphanet 145, MedGen C2676676, MONDO:0011450, OMIM 604370. Disease mechanism: loss of function.

Allele frequency attached by ClinVar (database versions not stated): gnomAD exomes below 0.00001; ExAC 0.00001; gnomAD 0.00001 and 0.00003; TOPMed 0.00003; ESP Exome Variant Server 0.00017.
gnomAD v4.1: 6 of 1,595,750 alleles (0.00038%); highest among the groups gnomAD compares: Non-Finnish European, 0.00051%; no homozygotes.

Submissions (2):

All of Us Research Program, National Institutes of Health
Classification: Likely benign for Breast-ovarian cancer, familial, susceptibility to, 1. Last evaluated: 2023-04-28. Review status: criteria provided, single submitter. Criteria: ACMG Guidelines, 2015. Collection method: clinical testing. Allele origin: germline. Inheritance: Autosomal dominant inheritance. Observed: 1 variant allele, 1 heterozygote.
Comment: This study involves interpretation of variants in research participants for the purpose of population health screening. Participant phenotype was not available at the time of variant classification. Additional details can be found in publication PMID: 35346344, PMCID: PMC8962531

CSER _CC_NCGL, University of Washington
Classification: Likely pathogenic for Hereditary breast and ovarian cancer. Last evaluated: 2014-06-01. Review status: criteria provided, single submitter. Criteria: Amendola et al. (Genome Res. 2015). Collection method: research. Allele origin: germline. Inheritance: Autosomal dominant inheritance. Study: ESP 6500 variant annotation.
Comment: Variants classified for the Actionable exomic incidental findings in 6503 participants: challenges of variant classification manuscript

NM_007294.4(BRCA1):c.4358-2786G>A

Gene: BRCA1 (BRCA1 DNA repair associated; minus strand). Cytogenetic location: 17q21.31.
Variant type: single nucleotide variant.
Coding change: c.4358-2786G>A on transcript NM_007294.4 (MANE Select); 2786 bases into the intron before coding-DNA position 4358, G replaced by A.
Molecular consequence: intron variant. On other transcripts: splice acceptor variant (17).
Genome position (GRCh38, 1-based): chr17:43,079,400, C>T on the plus strand (G>A on the coding strand, the complement: BRCA1 is on the minus strand). VCF-style: chr17-43079400-C-T. GRCh37 (hg19) VCF-style: chr17-41231417-C-T.
Other names: c.1046-2789G>A (NM_001408392.1, NM_001408403.1, NM_001408473.1 and 5 more transcripts); c.1046-2786G>A (NM_001407986.1, NM_001407979.1, NM_001407983.1 and 9 more transcripts); c.1046-1G>A (NM_001407972.1); c.4352-2786G>A (NM_001407630.1, NM_001407628.1, NM_001407629.1 and 3 more transcripts); c.4355-2789G>A (NM_001407633.1, NM_001407642.1, NM_001407641.1 and 8 more transcripts); c.4355-2786G>A (NM_001407615.1, NM_001407625.1, NM_001407624.1 and 7 more transcripts); c.4355-1G>A (NM_001407591.1, NM_001407590.1, NM_001407587.1); c.923-2786G>A (NM_001408441.1, NM_001408432.1, NM_001408443.1 and 5 more transcripts); and 98 more.
Identifiers: ClinVar variation 162503 (VCV000162503.4), dbSNP rs374435098, ClinGen allele CA002798.